The following is an entry in ClinVar:

ClinVar aggregate classification (germline): Uncertain significance. Review status: criteria provided, single submitter (1 of 4 stars). 2 submissions from 2 submitters: Uncertain significance (1). 1 of the submissions does not count toward it. Last evaluated 2025-01-07.

Conditions:
LTBP2-related disorder. Also called: LTBP2-related disorders; LTBP2-related condition.

Allele frequency attached by ClinVar (database versions not stated): ExAC 0.00007; gnomAD exomes 0.00013; 1000 Genomes Project 30x 0.00016; 1000 Genomes Project 0.00020.
gnomAD v4.1: 185 of 1,613,590 alleles (0.011%); highest among the groups gnomAD compares: Non-Finnish European, 0.01%; no homozygotes.

Submissions (2):

Labcorp Genetics (formerly Invitae), Labcorp
Classification: Uncertain significance. Last evaluated: 2025-01-07. Review status: criteria provided, single submitter. Criteria: Invitae Variant Classification Sherloc (09022015). Collection method: clinical testing. Allele origin: germline.
Comment: This sequence change replaces arginine, which is basic and polar, with tryptophan, which is neutral and slightly polar, at codon 1125 of the LTBP2 protein (p.Arg1125Trp). This variant is present in population databases (rs201501300, gnomAD 0.2%). This variant has not been reported in the literature in individuals affected with LTBP2-related conditions. ClinVar contains an entry for this variant (Variation ID: 1426061). An algorithm developed to predict the effect of missense changes on protein structure and function (PolyPhen-2) suggests that this variant¬†is likely to be tolerated. In summary, the available evidence is currently insufficient to determine the role of this variant in disease. Therefore, it has been classified as a Variant of Uncertain Significance.

PreventionGenetics, part of Exact Sciences
Classification: Likely benign for LTBP2-related condition. Last evaluated: 2022-04-25. Review status: no assertion criteria provided. Collection method: clinical testing. Allele origin: germline. Not counted in ClinVar's aggregate classification.
Comment: This variant is classified as likely benign based on ACMG/AMP sequence variant interpretation guidelines (Richards et al. 2015 PMID: 25741868, with internal and published modifications).

NM_000428.3(LTBP2):c.3373C>T (p.Arg1125Trp)

Gene: LTBP2 (latent transforming growth factor beta binding protein 2; minus strand). Cytogenetic location: 14q24.3.
Variant type: single nucleotide variant.
Coding change: c.3373C>T on transcript NM_000428.3 (MANE Select); coding-DNA position 3373, C replaced by T.
Protein change: p.Arg1125Trp; replaces arginine 1125 with tryptophan.
Molecular consequence: missense variant.
Genome position (GRCh38, 1-based): chr14:74,509,268, G>A on the plus strand (C>T on the coding strand, the complement: LTBP2 is on the minus strand). VCF-style: chr14-74509268-G-A. GRCh37 (hg19) VCF-style: chr14-74975971-G-A.
Other names: c.3373C>T (NM_000428.2); short protein forms R1125W.
Identifiers: ClinVar variation 1426061 (VCV001426061.6), dbSNP rs201501300, ClinGen allele CA7269197.